The following is an entry in ClinVar:

ClinVar aggregate classification (germline): Uncertain significance (1 of 4 stars; one submission).

Submission:

Labcorp Genetics (formerly Invitae), Labcorp
Classification: Uncertain significance. Last evaluated: 2022-08-24. Review status: criteria provided, single submitter. Criteria: Invitae Variant Classification Sherloc (09022015). Collection method: clinical testing. Allele origin: germline.
Comment: In summary, the available evidence is currently insufficient to determine the role of this variant in disease. Therefore, it has been classified as a Variant of Uncertain Significance. Algorithms developed to predict the effect of missense changes on protein structure and function (SIFT, PolyPhen-2, Align-GVGD) all suggest that this variant is likely to be tolerated. This variant has not been reported in the literature in individuals affected with POLE-related conditions. This variant is not present in population databases (gnomAD no frequency). This sequence change replaces alanine, which is neutral and non-polar, with valine, which is neutral and non-polar, at codon 183 of the POLE protein (p.Ala183Val).

NM_006231.4(POLE):c.548C>T (p.Ala183Val)

Gene: POLE (DNA polymerase epsilon, catalytic subunit; minus strand). Cytogenetic location: 12q24.33.
Variant type: single nucleotide variant.
Coding change: c.548C>T on transcript NM_006231.4 (MANE Select); coding-DNA position 548, C replaced by T.
Protein change: p.Ala183Val; replaces alanine 183 with valine.
Molecular consequence: missense variant.
Genome position (GRCh38, 1-based): chr12:132,679,527, G>A on the plus strand (C>T on the coding strand, the complement: POLE is on the minus strand). VCF-style: chr12-132679527-G-A. GRCh37 (hg19) VCF-style: chr12-133256113-G-A.
Other names: short protein forms A183V.
Identifiers: ClinVar variation 1717966 (VCV001717966.5), dbSNP rs2542188141, ClinGen allele CA387366813.